The following is an entry in ClinVar:

ClinVar aggregate classification (germline): Likely benign (1 of 4 stars; one submission).

Submission:

CeGaT Center for Human Genetics Tuebingen
Classification: Likely benign. Last evaluated: 2024-07-01. Review status: criteria provided, single submitter. Criteria: CeGaT Center For Human Genetics Tuebingen Variant Classification Criteria Version 2. Collection method: clinical testing. Allele origin: germline. Affected: yes. Observed: 1 variant allele.
Comment: PNKD: PM2:Supporting, BP4, BP7

NM_015488.5(PNKD):c.1074G>C (p.Pro358=)

Genes: CATIP-AS2 (CATIP antisense RNA 2; minus strand), PNKD (PNKD metallo-beta-lactamase domain containing; plus strand). Cytogenetic location: 2q35.
Variant type: single nucleotide variant.
Coding change: c.1074G>C on transcript NM_015488.5 (MANE Select); coding-DNA position 1074, G replaced by C.
Protein change: p.Pro358=; no amino-acid change (proline 358 retained).
Molecular consequence: synonymous variant.
Genome position (GRCh38, 1-based): chr2:218,344,897, G>C. VCF-style: chr2-218344897-G-C. GRCh37 (hg19) VCF-style: chr2-219209620-G-C.
Other names: c.1002G>C, p.Pro334= (NM_022572.5).
Identifiers: ClinVar variation 3257088 (VCV003257088.17).
Genomic context (GRCh38, chr2:218,344,897, plus strand): 5'-CTACAACCCGTTCCTGAGAACCCACTGCCTGGCGCTACAGGAGGCTCTGGGGCCGGGGCC[G>C]GGCCCCACTGGGGATGATGACTACTCCCGGGCCCAGCTCCTGGAAGAGCTCCGCCGGCTG-3'
Protein context (NP_056303.3, residues 348-368): LALQEALGPG[Pro358=]GPTGDDDYSR